The following is an entry in ClinVar:

NM_004836.7(EIF2AK3):c.1543C>A (p.Pro515Thr)

Gene: EIF2AK3 (eukaryotic translation initiation factor 2 alpha kinase 3; minus strand). Cytogenetic location: 2p11.2.
Variant type: single nucleotide variant.
Coding change: c.1543C>A on transcript NM_004836.7 (MANE Select); coding-DNA position 1543, C replaced by A.
Protein change: p.Pro515Thr; replaces proline 515 with threonine.
Molecular consequence: missense variant.
Genome position (GRCh38, 1-based): chr2:88,585,948, G>T on the plus strand (C>A on the coding strand, the complement: EIF2AK3 is on the minus strand). VCF-style: chr2-88585948-G-T. GRCh37 (hg19) VCF-style: chr2-88885466-G-T.
Other names: c.1090C>A, p.Pro364Thr (NM_001313915.2); short protein forms P515T, P364T.
Identifiers: ClinVar variation 1468696 (VCV001468696.5), dbSNP rs2104429495, ClinGen allele CA347594448.

ClinVar aggregate classification (germline): Uncertain significance (1 of 4 stars; one submission).

Submission:

Labcorp Genetics (formerly Invitae), Labcorp
Classification: Uncertain significance. Last evaluated: 2024-11-05. Review status: criteria provided, single submitter. Criteria: Invitae Variant Classification Sherloc (09022015). Collection method: clinical testing. Allele origin: germline.
Comment: This sequence change replaces proline, which is neutral and non-polar, with threonine, which is neutral and polar, at codon 515 of the EIF2AK3 protein (p.Pro515Thr). This variant is not present in population databases (gnomAD no frequency). This variant has not been reported in the literature in individuals affected with EIF2AK3-related conditions. ClinVar contains an entry for this variant (Variation ID: 1468696). An algorithm developed to predict the effect of missense changes on protein structure and function (PolyPhen-2) suggests that this variant is likely to be disruptive. In summary, the available evidence is currently insufficient to determine the role of this variant in disease. Therefore, it has been classified as a Variant of Uncertain Significance.